The following is an entry in ClinVar:

NM_004991.4(MECOM):c.1325G>A (p.Gly442Asp)

Gene: MECOM (MDS1 and EVI1 complex locus; minus strand). Cytogenetic location: 3q26.2.
Variant type: single nucleotide variant.
Coding change: c.1325G>A on transcript NM_004991.4 (MANE Select); coding-DNA position 1325, G replaced by A.
Protein change: p.Gly442Asp; replaces glycine 442 with aspartic acid.
Molecular consequence: missense variant. On other transcripts: intron variant (2).
Genome position (GRCh38, 1-based): chr3:169,116,547, C>T on the plus strand (G>A on the coding strand, the complement: MECOM is on the minus strand). VCF-style: chr3-169116547-C-T. GRCh37 (hg19) VCF-style: chr3-168834335-C-T.
Other names: c.956G>A, p.Gly319Asp (NM_001105077.4); c.761G>A, p.Gly254Asp (NM_001105078.4, NM_001164000.2, NM_001205194.2 and 4 more transcripts); c.764G>A, p.Gly255Asp (NM_001163999.2, NM_001366467.2, NM_001366468.2 and 1 more transcripts); c.1325G>A, p.Gly442Asp (NM_001366466.2); c.1133-780G>A (NM_001366473.2); c.569-780G>A (NM_001366474.2); short protein forms G255D, G319D, G442D, G254D.
Identifiers: ClinVar variation 3871603 (VCV003871603.1).
Genomic context (GRCh38, chr3:169,116,547, plus strand): 5'-GCATGACTCATATTAACCATGGACGTTTTATCCATAGCTGGGGTTCCAGGAAGTGAAATG[C>T]CTTGGCCAAAAAATCCACCTGCCGCAAAATGGTTCTTGCCCTCACAAAACCTCCTGTGTT-3'
Protein context (NP_004982.2, residues 432-452): HFAAGGFFGQ[Gly442Asp]ISLPGTPAMD

ClinVar aggregate classification (germline): Uncertain significance (1 of 4 stars; one submission).

Conditions:
Inborn genetic diseases. Identifiers: MedGen C0950123, MeSH D030342.

gnomAD v4.1: 8 of 1,614,138 alleles (0.0005%); highest among the groups gnomAD compares: Admixed American, 0.0033%; no homozygotes.

Submission:

Ambry Genetics
Classification: Uncertain significance for Inborn genetic diseases. Last evaluated: 2024-12-14. Review status: criteria provided, single submitter. Criteria: Ambry Variant Classification Scheme 2023. Collection method: clinical testing. Allele origin: germline.
Comment: The p.G442D variant (also known as c.1325G>A), located in coding exon 8 of the MECOM gene, results from a G to A substitution at nucleotide position 1325. The glycine at codon 442 is replaced by aspartic acid, an amino acid with similar properties. This amino acid position is conserved. In addition, the in silico prediction for this alteration is inconclusive. Based on the available evidence, the clinical significance of this variant remains unclear.